The following is an entry in ClinVar:

NM_014956.5(CEP164):c.48A>G (p.Glu16=)

Gene: CEP164 (centrosomal protein 164; plus strand). Cytogenetic location: 11q23.3.
Variant type: single nucleotide variant.
Coding change: c.48A>G on transcript NM_014956.5 (MANE Select); coding-DNA position 48, A replaced by G.
Protein change: p.Glu16=; no amino-acid change (glutamic acid 16 retained).
Molecular consequence: synonymous variant. On other transcripts: intron variant (1).
Genome position (GRCh38, 1-based): chr11:117,338,634, A>G. VCF-style: chr11-117338634-A-G. GRCh37 (hg19) VCF-style: chr11-117209350-A-G.
Other names: c.48A>G, p.Glu16= (NM_001271933.2, NM_001440949.1, NM_001440950.1 and 36 more transcripts); c.-57+2954A>G (NM_001440960.1).
Identifiers: ClinVar variation 4999830 (VCV004999830.1).

ClinVar aggregate classification (germline): Likely benign (1 of 4 stars; one submission).

Conditions:
CEP164-related disorder. Also called: CEP164-related condition.

Submission:

PreventionGenetics, part of Exact Sciences
Classification: Likely benign for CEP164-related condition. Last evaluated: 2025-01-13. Review status: criteria provided, single submitter. Criteria: ACMG Guidelines, 2015. Collection method: clinical testing. Allele origin: germline.
Comment: This variant is classified as likely benign based on ACMG/AMP sequence variant interpretation guidelines (Richards et al. 2015 PMID: 25741868, with internal and published modifications).